The following is an entry in ClinVar:

NM_001205293.3(CACNA1E):c.2807C>T (p.Ala936Val)

Gene: CACNA1E (calcium voltage-gated channel subunit alpha1 E; plus strand). Cytogenetic location: 1q25.3.
Variant type: single nucleotide variant.
Coding change: c.2807C>T on transcript NM_001205293.3 (MANE Select); coding-DNA position 2807, C replaced by T.
Protein change: p.Ala936Val; replaces alanine 936 with valine.
Molecular consequence: missense variant.
Genome position (GRCh38, 1-based): chr1:181,732,893, C>T. VCF-style: chr1-181732893-C-T. GRCh37 (hg19) VCF-style: chr1-181702029-C-T.
Other names: c.2807C>T, p.Ala936Val (NM_000721.4); c.2750C>T, p.Ala917Val (NM_001205294.2); short protein forms A917V, A936V.
Identifiers: ClinVar variation 1998254 (VCV001998254.17), dbSNP rs2528700352, ClinGen allele CA343619046.

ClinVar aggregate classification (germline): Uncertain significance. Review status: criteria provided, multiple submitters, no conflicts (2 of 4 stars). 2 submissions from 2 submitters: Uncertain significance (2). Last evaluated 2024-12-01.

Allele frequency attached by ClinVar (database versions not stated): gnomAD exomes below 0.00001.
gnomAD v4.1: 1 of 1,614,008 alleles (0.000062%); highest among the groups gnomAD compares: Non-Finnish European, 0.000085%; no homozygotes.

Submissions (2):

CeGaT Center for Human Genetics Tuebingen
Classification: Uncertain significance. Last evaluated: 2024-12-01. Review status: criteria provided, single submitter. Criteria: CeGaT Center For Human Genetics Tuebingen Variant Classification Criteria Version 2. Collection method: clinical testing. Allele origin: germline. Affected: yes. Observed: 1 variant allele.

Labcorp Genetics (formerly Invitae), Labcorp
Classification: Uncertain significance. Last evaluated: 2024-02-17. Review status: criteria provided, single submitter. Criteria: Invitae Variant Classification Sherloc (09022015). Collection method: clinical testing. Allele origin: germline.
Comment: This sequence change replaces alanine, which is neutral and non-polar, with valine, which is neutral and non-polar, at codon 936 of the CACNA1E protein (p.Ala936Val). This variant is not present in population databases (gnomAD no frequency). This variant has not been reported in the literature in individuals affected with CACNA1E-related conditions. ClinVar contains an entry for this variant (Variation ID: 1998254). Advanced modeling of protein sequence and biophysical properties (such as structural, functional, and spatial information, amino acid conservation, physicochemical variation, residue mobility, and thermodynamic stability) performed at Invitae indicates that this missense variant is not expected to disrupt CACNA1E protein function with a negative predictive value of 95%. In summary, the available evidence is currently insufficient to determine the role of this variant in disease. Therefore, it has been classified as a Variant of Uncertain Significance.